The following is an entry in ClinVar:

NM_007294.4(BRCA1):c.468C>G (p.Leu156=)

Gene: BRCA1 (BRCA1 DNA repair associated; minus strand). Cytogenetic location: 17q21.31.
Variant type: single nucleotide variant.
Coding change: c.468C>G on transcript NM_007294.4 (MANE Select); coding-DNA position 468, C replaced by G.
Protein change: p.Leu156=; no amino-acid change (leucine 156 retained).
Molecular consequence: synonymous variant. On other transcripts: intron variant (2).
Genome position (GRCh38, 1-based): chr17:43,099,854, G>C on the plus strand (C>G on the coding strand, the complement: BRCA1 is on the minus strand). VCF-style: chr17-43099854-G-C. GRCh37 (hg19) VCF-style: chr17-41251871-G-C.
Other names: c.255C>G, p.Leu85= (NM_001407571.1, NM_001407853.1, NM_001407894.1 and 18 more transcripts); c.468C>G, p.Leu156= (NM_001407581.1, NM_001407582.1, NM_001407583.1 and 97 more transcripts); c.465C>G, p.Leu155= (NM_001407587.1, NM_001407590.1, NM_001407591.1 and 65 more transcripts); c.459C>G, p.Leu153= (NM_001407646.1, NM_001407647.1, NM_001408408.1); c.390C>G, p.Leu130= (NM_001407653.1, NM_001407654.1, NM_001407655.1 and 12 more transcripts); c.387C>G, p.Leu129= (NM_001407659.1, NM_001407660.1, NM_001407661.1 and 6 more transcripts); c.327C>G, p.Leu109= (NM_001407692.1, NM_001407694.1, NM_001407695.1 and 61 more transcripts); c.324C>G, p.Leu108= (NM_001407740.1, NM_001407741.1, NM_001407742.1 and 35 more transcripts); and 5 more.
Identifiers: ClinVar variation 415569 (VCV000415569.23), dbSNP rs748923729, ClinGen allele CA056176.
Genomic context (GRCh38, chr17:43,099,854, plus strand): 5'-CGTCTTTTGAGGTTGTATCCGCTGCTTTGTCCTCAGAGTTCTCACAGTTCCAAGGTTAGA[G>C]AGTTGGACACTGAGACTGGTTTCCTGCTAAACAGTATGGTAAAGAACAGTCAAGCAATTG-3'
Protein context (NP_009225.1, residues 146-166): SLQETSLSVQ[Leu156=]SNLGTVRTLR

ClinVar aggregate classification (germline): Likely benign. Review status: reviewed by expert panel (3 of 4 stars). 7 submissions from 7 submitters: Likely benign (1). 6 of the submissions do not count toward it. Last evaluated 2017-06-29.

Conditions:
Breast-ovarian cancer, familial, susceptibility to, 1 (BROVCA1). Also called: BRCA1 Hereditary Breast and Ovarian Cancer; OVARIAN CANCER, SUSCEPTIBILITY TO. Identifiers: Orphanet 145, MedGen C2676676, MONDO:0011450, OMIM 604370. Disease mechanism: loss of function.
Hereditary breast ovarian cancer syndrome. Also called: Hereditary breast and ovarian cancer syndrome; Breast and ovarian cancer; Hereditary breast and ovarian cancer syndrome (HBOC); Hereditary breast and/or ovarian cancer syndrome; BRCA1- and BRCA2-Associated Hereditary Breast and Ovarian Cancer; Hereditary breast and ovarian cancer. Identifiers: Orphanet 145, MedGen C0677776, MeSH D061325, MONDO:0003582. Disease mechanism: loss of function.
Hereditary cancer-predisposing syndrome. Also called: Neoplastic Syndromes, Hereditary; Hereditary neoplastic syndrome; Hereditary Cancer Syndrome; Tumor predisposition. Identifiers: Orphanet 140162, MedGen C0027672, MeSH D009386, MONDO:0015356.

Allele frequency attached by ClinVar (database versions not stated): gnomAD exomes below 0.00001 and 0.00001; ExAC 0.00001.
gnomAD v4.1: 8 of 1,613,606 alleles (0.0005%); highest among the groups gnomAD compares: Non-Finnish European, 0.00059%; no homozygotes.

Submissions (7):

Evidence-based Network for the Interpretation of Germline Mutant Alleles (ENIGMA)
Classification: Likely benign for Breast-ovarian cancer, familial, susceptibility to, 1. Last evaluated: 2017-06-29. Review status: reviewed by expert panel. Criteria: ENIGMA BRCA1/2 Classification Criteria (2017-06-29). Collection method: curation. Allele origin: germline.
Comment: Synonymous substitution variant, with low bioinformatic likelihood to result in a splicing aberration (Splicing prior probability 0.02).

Labcorp Genetics (formerly Invitae), Labcorp
Classification: Likely benign for Hereditary breast ovarian cancer syndrome. Last evaluated: 2025-06-29. Review status: criteria provided, single submitter. Criteria: Invitae Variant Classification Sherloc (09022015). Collection method: clinical testing. Allele origin: germline. Not counted in ClinVar's aggregate classification.

All of Us Research Program, National Institutes of Health
Classification: Likely benign for Breast-ovarian cancer, familial, susceptibility to, 1. Last evaluated: 2023-05-16. Review status: criteria provided, single submitter. Criteria: ACMG Guidelines, 2015. Collection method: clinical testing. Allele origin: germline. Inheritance: Autosomal dominant inheritance. Observed: 3 variant alleles, 3 heterozygotes. Not counted in ClinVar's aggregate classification.
Comment: This study involves interpretation of variants in research participants for the purpose of population health screening. Participant phenotype was not available at the time of variant classification. Additional details can be found in publication PMID: 35346344, PMCID: PMC8962531

Sema4
Classification: Likely benign for Hereditary cancer-predisposing syndrome. Last evaluated: 2021-02-09. Review status: criteria provided, single submitter. Criteria: Sema4 Curation Guidelines. Collection method: curation. Allele origin: germline. Not counted in ClinVar's aggregate classification.

Quest Diagnostics Nichols Institute San Juan Capistrano
Classification: Likely benign. Last evaluated: 2018-03-13. Review status: criteria provided, single submitter. Criteria: Quest Diagnostics criteria. Collection method: clinical testing. Allele origin: germline. Not counted in ClinVar's aggregate classification.

Color Diagnostics, LLC DBA Color Health
Classification: Likely benign for Hereditary cancer-predisposing syndrome. Last evaluated: 2017-03-30. Review status: criteria provided, single submitter. Criteria: ACMG Guidelines, 2015. Collection method: clinical testing. Allele origin: germline. Not counted in ClinVar's aggregate classification.

Ambry Genetics
Classification: Likely benign for Hereditary cancer-predisposing syndrome. Last evaluated: 2016-01-13. Review status: criteria provided, single submitter. Criteria: Ambry Variant Classification Scheme 2023. Collection method: clinical testing. Allele origin: germline. Not counted in ClinVar's aggregate classification.